The following is an entry in ClinVar:

ClinVar aggregate classification (germline): Likely benign (0 of 4 stars; one submission).

Conditions:
ZFHX3-related disorder. Also called: ZFHX3-related condition.

Allele frequency attached by ClinVar (database versions not stated): 1000 Genomes Project 30x 0.00016; ESP Exome Variant Server 0.00023.
gnomAD v4.1: 228 of 1,600,646 alleles (0.014%); highest among the groups gnomAD compares: Non-Finnish European, 0.013%; no homozygotes.

Submission:

PreventionGenetics, part of Exact Sciences
Classification: Likely benign for ZFHX3-related condition. Last evaluated: 2019-07-15. Review status: no assertion criteria provided. Collection method: clinical testing. Allele origin: germline.
Comment: This variant is classified as likely benign based on ACMG/AMP sequence variant interpretation guidelines (Richards et al. 2015 PMID: 25741868, with internal and published modifications).

NM_006885.4(ZFHX3):c.216C>G (p.Ser72=)

Gene: ZFHX3 (zinc finger homeobox 3; minus strand). Cytogenetic location: 16q22.3.
Variant type: single nucleotide variant.
Coding change: c.216C>G on transcript NM_006885.4 (MANE Select); coding-DNA position 216, C replaced by G.
Protein change: p.Ser72=; no amino-acid change (serine 72 retained).
Molecular consequence: synonymous variant. On other transcripts: intron variant (1).
Genome position (GRCh38, 1-based): chr16:72,959,930, G>C on the plus strand (C>G on the coding strand, the complement: ZFHX3 is on the minus strand). VCF-style: chr16-72959930-G-C. GRCh37 (hg19) VCF-style: chr16-72993829-G-C.
Other names: c.216C>G, p.Ser72= (NM_001386735.1); c.-23-8965C>G (NM_001164766.2).
Identifiers: ClinVar variation 3050182 (VCV003050182.2), dbSNP rs202140641, ClinGen allele CA8165060.